The following is an entry in ClinVar:

NM_000540.3(RYR1):c.10007A>G (p.Lys3336Arg)

Gene: RYR1 (ryanodine receptor 1; plus strand). Cytogenetic location: 19q13.2.
Variant type: single nucleotide variant.
Coding change: c.10007A>G on transcript NM_000540.3 (MANE Select); coding-DNA position 10007, A replaced by G.
Protein change: p.Lys3336Arg; replaces lysine 3336 with arginine.
Molecular consequence: missense variant.
Genome position (GRCh38, 1-based): chr19:38,517,680, A>G. VCF-style: chr19-38517680-A-G. GRCh37 (hg19) VCF-style: chr19-39008320-A-G.
Other names: c.10007A>G, p.Lys3336Arg (NM_001042723.2); short protein forms K3336R.
Identifiers: ClinVar variation 3071890 (VCV003071890.1), dbSNP rs1488747964, ClinGen allele CA405693453.
Genomic context (GRCh38, chr19:38,517,680, plus strand): 5'-TGGGGAATATCCTGAGAATCATCGTCAACAACCTGGGCATTGACGAGGCCTCCTGGATGA[A>G]GCGGCTGGCTGGTGGGTCGGGGGGCACTGGGCCTCTGAGGGGTGGGTCAGCAGCCTGGGC-3'
Protein context (NP_000531.2, residues 3326-3346): NLGIDEASWM[Lys3336Arg]RLAVFAQPIV

ClinVar aggregate classification (germline): Uncertain significance (1 of 4 stars; one submission).

Conditions:
Malignant hyperthermia, susceptibility to, 1 (MHS1). Also called: Anesthesia related hyperthermia; Malignant hyperpyrexia; Fulminating hyperpyrexia; Pharmacogenic myopathy; RYR1-Related Malignant Hyperthermia Susceptibility; Malignant hyperthermia suceptibility 1. Identifiers: Orphanet 423, MedGen C2930980, MONDO:0007783, OMIM 145600.

Allele frequency attached by ClinVar (database versions not stated): gnomAD exomes below 0.00001.
gnomAD v4.1: 1 of 1,614,082 alleles (0.000062%); highest among the groups gnomAD compares: Non-Finnish European, 0.000085%; no homozygotes.

Submission:

All of Us Research Program, National Institutes of Health
Classification: Uncertain significance for Malignant hyperthermia, susceptibility to, 1. Last evaluated: 2023-06-26. Review status: criteria provided, single submitter. Criteria: ACMG Guidelines, 2015. Collection method: clinical testing. Allele origin: germline. Inheritance: Autosomal dominant inheritance. Observed: 1 variant allele, 1 heterozygote.
Comment: This missense variant replaces lysine with arginine at codon 3336 of the RYR1 protein. Computational prediction suggests that this variant may have deleterious impact on protein structure and function (internally defined REVEL score threshold >= 0.7, PMID: 27666373). To our knowledge, functional studies have not been reported for this variant. This variant has not been reported in individuals affected with RYR1-related disorders in the literature. This variant has been identified in 1/248568 chromosomes in the general population by the Genome Aggregation Database (gnomAD). The available evidence is insufficient to determine the role of this variant in disease conclusively. Therefore, this variant is classified as a Variant of Uncertain Significance.

This study involves interpretation of variants in research participants for the purpose of population health screening. Participant phenotype was not available at the time of variant classification. Additional details can be found in publication PMID: 35346344, PMCID: PMC8962531